The following is an entry in ClinVar:

NM_020964.3(EPG5):c.7333C>T (p.Arg2445Ter)

Gene: EPG5 (ectopic P-granules 5 autophagy tethering factor; minus strand). Cytogenetic location: 18q12.3.
Variant type: single nucleotide variant.
Coding change: c.7333C>T on transcript NM_020964.3 (MANE Select); coding-DNA position 7333, C replaced by T.
Protein change: p.Arg2445Ter; replaces arginine 2445 with a stop codon.
Molecular consequence: nonsense.
Genome position (GRCh38, 1-based): chr18:45,857,962, G>A on the plus strand (C>T on the coding strand, the complement: EPG5 is on the minus strand). VCF-style: chr18-45857962-G-A. GRCh37 (hg19) VCF-style: chr18-43437927-G-A.
Other names: c.7333C>T, p.Arg2445Ter (LRG_1234t1); short protein forms R2445*.
Identifiers: ClinVar variation 570218 (VCV000570218.12), dbSNP rs780889226, ClinGen allele CA8948025.
Genomic context (GRCh38, chr18:45,857,962, plus strand): 5'-CAGAGCTGAGTCTCTCCTCAGCCACGAGGTTCTGCCTGCTCTGAACCAAGAGCAGAATTC[G>A]AATGACAGATTCTGTCAGGACGGAGTCATTCTGCTCTGTCTGAATGAGGGAGAGCTGAAG-3'

ClinVar aggregate classification (germline): Pathogenic/Likely pathogenic. Review status: criteria provided, multiple submitters, no conflicts (2 of 4 stars). 3 submissions from 3 submitters: Pathogenic (1); Likely pathogenic (1). 1 of the submissions does not count toward it. Last evaluated 2025-10-21.

Conditions:
EPG5-related disorder. Also called: EPG5-related condition. Identifiers: MedGen CN381528.
Vici syndrome (VICIS). Identifiers: Orphanet 1493, MedGen C1855772, MONDO:0009452, OMIM 242840.

Allele frequency attached by ClinVar (database versions not stated): gnomAD exomes below 0.00001 and 0.00001; ExAC 0.00001; gnomAD 0.00001.
gnomAD v4.1: 9 of 1,613,386 alleles (0.00056%); highest among the groups gnomAD compares: Admixed American, 0.0017%; no homozygotes.

Submissions (3):

Labcorp Genetics (formerly Invitae), Labcorp
Classification: Pathogenic for Vici syndrome. Last evaluated: 2025-10-21. Review status: criteria provided, single submitter. Criteria: Invitae Variant Classification Sherloc (09022015). Collection method: clinical testing. Allele origin: germline.
Comment: This sequence change creates a premature translational stop signal (p.Arg2445*) in the EPG5 gene. It is expected to result in an absent or disrupted protein product. Loss-of-function variants in EPG5 are known to be pathogenic (PMID: 23222957, 23674064). This variant is present in population databases (rs780889226, gnomAD 0.0009%). This premature translational stop signal has been observed in individual(s) with Vici syndrome (PMID: 26917586). ClinVar contains an entry for this variant (Variation ID: 570218). For these reasons, this variant has been classified as Pathogenic.

SIB Swiss Institute of Bioinformatics
Classification: Likely pathogenic for Vici syndrome. Last evaluated: 2019-01-17. Review status: criteria provided, single submitter. Criteria: ACMG Guidelines, 2015. Collection method: curation. Allele origin: unknown.
Comment: This variant is interpreted as a Likely pathogenic for Vici syndrome, autosomal recessive. The following ACMG Tag(s) were applied: PM2 => Absent from controls (or at extremely low frequency if recessive) in Exome Sequencing Project, 1000 Genomes Project, or Exome Aggregation Consortium. PVS1-strong => PVS1 downgraded in strength to Strong.

ClinGen:CA8948025

PreventionGenetics, part of Exact Sciences
Classification: Pathogenic for EPG5-related condition. Last evaluated: 2024-01-02. Review status: no assertion criteria provided. Collection method: clinical testing. Allele origin: germline. Not counted in ClinVar's aggregate classification.
Comment: The EPG5 c.7333C>T variant is predicted to result in premature protein termination (p.Arg2445*). This variant has been reported in the apparently homozygous state in an individual with Vici syndrome (Table 1, Byrne S et al 2016. PubMed ID: 26917586). This variant is reported in 0.00088% of alleles in individuals of European (Non-Finnish) descent in gnomAD. Nonsense variants in EPG5 are expected to be pathogenic. This variant is interpreted as pathogenic.

Literature cited by the submitters: PubMed 23222957 (cited by Labcorp Genetics (formerly Invitae), Labcorp); PubMed 23674064 (cited by Labcorp Genetics (formerly Invitae), Labcorp); PubMed 26917586 (cited by Labcorp Genetics (formerly Invitae), Labcorp and SIB Swiss Institute of Bioinformatics).